The following is an entry in ClinVar:

NM_001244710.2(GFPT1):c.1483G>T (p.Ala495Ser)

Gene: GFPT1 (glutamine--fructose-6-phosphate transaminase 1; minus strand). Cytogenetic location: 2p13.3.
Variant type: single nucleotide variant.
Coding change: c.1483G>T on transcript NM_001244710.2 (MANE Select); coding-DNA position 1483, G replaced by T.
Protein change: p.Ala495Ser; replaces alanine 495 with serine.
Molecular consequence: missense variant.
Genome position (GRCh38, 1-based): chr2:69,329,798, C>A on the plus strand (G>T on the coding strand, the complement: GFPT1 is on the minus strand). VCF-style: chr2-69329798-C-A. GRCh37 (hg19) VCF-style: chr2-69556930-C-A.
Other names: c.1429G>T, p.Ala477Ser (NM_002056.4); short protein forms A477S, A495S.
Identifiers: ClinVar variation 578884 (VCV000578884.7), dbSNP rs1438504838, ClinGen allele CA347423045.

ClinVar aggregate classification (germline): Uncertain significance (1 of 4 stars; one submission).

Conditions:
Congenital myasthenic syndrome 12 (CMS12). Also called: MYASTHENIC SYNDROME, CONGENITAL, WITH TUBULAR AGGREGATES 1; Myasthenia, congenital, 12, with tubular aggregates. Identifiers: Orphanet 353327, Orphanet 590, MedGen C3552335, MONDO:0012518, OMIM 610542.

Allele frequency attached by ClinVar (database versions not stated): gnomAD exomes below 0.00001; gnomAD 0.00001; TOPMed 0.00001.
gnomAD v4.1: 2 of 1,497,436 alleles (0.00013%); highest among the groups gnomAD compares: Non-Finnish European, 0.00019%; no homozygotes.

Submission:

Labcorp Genetics (formerly Invitae), Labcorp
Classification: Uncertain significance for Congenital myasthenic syndrome 12. Last evaluated: 2024-01-22. Review status: criteria provided, single submitter. Criteria: Invitae Variant Classification Sherloc (09022015). Collection method: clinical testing. Allele origin: germline.
Comment: This sequence change replaces alanine, which is neutral and non-polar, with serine, which is neutral and polar, at codon 477 of the GFPT1 protein (p.Ala477Ser). This variant is not present in population databases (gnomAD no frequency). This variant has not been reported in the literature in individuals affected with GFPT1-related conditions. ClinVar contains an entry for this variant (Variation ID: 578884). An algorithm developed to predict the effect of missense changes on protein structure and function (PolyPhen-2) suggests that this variant is likely to be disruptive. In summary, the available evidence is currently insufficient to determine the role of this variant in disease. Therefore, it has been classified as a Variant of Uncertain Significance.